The following is an entry in ClinVar:

ClinVar aggregate classification (germline): Uncertain significance (1 of 4 stars; one submission).

Conditions:
Sifrim-Hitz-Weiss syndrome (SIHIWES). Also called: CHD4 Neurodevelopmental Disorder; SIFRIM-HITZ-WEISS MULTIPLE CONGENITAL ANOMALIES-MENTAL RETARDATION SYNDROME. Identifiers: Orphanet 653712, MedGen C4310688, MONDO:0014946, OMIM 617159.

gnomAD v4.1: 2 of 1,614,000 alleles (0.00012%); highest among the groups gnomAD compares: African/African-American, 0.0013%; no homozygotes.

Submission:

Laboratorio de Genetica e Diagnostico Molecular, Hospital Israelita Albert Einstein
Classification: Uncertain significance for Sifrim-Hitz-Weiss syndrome. Last evaluated: 2025-05-19. Review status: criteria provided, single submitter. Criteria: ACMG Guidelines, 2015. Collection method: clinical testing. Allele origin: germline. Affected: yes.
Comment: ACMG classification criteria: PM2 supporting, PP2 supporting

NM_001273.5(CHD4):c.4960C>T (p.Pro1654Ser)

Genes: CHD4 (chromodomain helicase DNA binding protein 4; minus strand), CHD4-AS1 (CHD4 antisense RNA 1; plus strand). Cytogenetic location: 12p13.31.
Variant type: single nucleotide variant.
Coding change: c.4960C>T on transcript NM_001273.5 (MANE Select); coding-DNA position 4960, C replaced by T.
Protein change: p.Pro1654Ser; replaces proline 1654 with serine.
Molecular consequence: missense variant.
Genome position (GRCh38, 1-based): chr12:6,578,867, G>A on the plus strand (C>T on the coding strand, the complement: CHD4 is on the minus strand). VCF-style: chr12-6578867-G-A. GRCh37 (hg19) VCF-style: chr12-6688033-G-A.
Other names: c.4939C>T, p.Pro1647Ser (NM_001297553.2); c.4927C>T, p.Pro1643Ser (NM_001363606.2); short protein forms P1643S, P1647S, P1654S.
Identifiers: ClinVar variation 3902074 (VCV003902074.1).